The following is an entry in ClinVar:

ClinVar aggregate classification (germline): Uncertain significance (1 of 4 stars; one submission).

Conditions:
Inborn genetic diseases. Identifiers: MedGen C0950123, MeSH D030342.

Submission:

Ambry Genetics
Classification: Uncertain significance for Inborn genetic diseases. Last evaluated: 2023-12-29. Review status: criteria provided, single submitter. Criteria: Ambry Variant Classification Scheme 2023. Collection method: clinical testing. Allele origin: germline.
Comment: The p.S51N variant (also known as c.152G>A), located in coding exon 2 of the MDH2 gene, results from a G to A substitution at nucleotide position 152. The serine at codon 51 is replaced by asparagine, an amino acid with highly similar properties. This amino acid position is conserved. In addition, this alteration is predicted to be tolerated by in silico analysis. Since supporting evidence is limited at this time, the clinical significance of this alteration remains unclear.

NM_005918.4(MDH2):c.152G>A (p.Ser51Asn)

Gene: MDH2 (malate dehydrogenase 2; plus strand). Cytogenetic location: 7q11.23.
Variant type: single nucleotide variant.
Coding change: c.152G>A on transcript NM_005918.4 (MANE Select); coding-DNA position 152, G replaced by A.
Protein change: p.Ser51Asn; replaces serine 51 with asparagine.
Molecular consequence: missense variant. On other transcripts: intron variant (1).
Genome position (GRCh38, 1-based): chr7:76,054,915, G>A. VCF-style: chr7-76054915-G-A. GRCh37 (hg19) VCF-style: chr7-75684233-G-A.
Other names: c.152G>A, p.Ser51Asn (NM_001282403.2); c.-86-2495G>A (NM_001282404.2); short protein forms S51N.
Identifiers: ClinVar variation 3225180 (VCV003225180.1), dbSNP rs2535852758, ClinGen allele CA367762460.